The following is an entry in ClinVar:

ClinVar aggregate classification (germline): Uncertain significance. Review status: criteria provided, multiple submitters, no conflicts (2 of 4 stars). 2 submissions from 2 submitters: Uncertain significance (2). Last evaluated 2025-04-29.

Conditions:
Cardiovascular phenotype. Identifiers: MedGen CN230736.
Hereditary cancer-predisposing syndrome. Also called: Hereditary neoplastic syndrome; Tumor predisposition; Hereditary Cancer Syndrome; Neoplastic Syndromes, Hereditary. Identifiers: Orphanet 140162, MedGen C0027672, MeSH D009386, MONDO:0015356.

Submissions (2):

Labcorp Genetics (formerly Invitae), Labcorp
Classification: Uncertain significance. Last evaluated: 2025-04-29. Review status: criteria provided, single submitter. Criteria: Invitae Variant Classification Sherloc (09022015). Collection method: clinical testing. Allele origin: germline.
Comment: This sequence change replaces isoleucine, which is neutral and non-polar, with asparagine, which is neutral and polar, at codon 533 of the LZTR1 protein (p.Ile533Asn). This variant is not present in population databases (gnomAD no frequency). This variant has not been reported in the literature in individuals affected with LZTR1-related conditions. ClinVar contains an entry for this variant (Variation ID: 2129561). Invitae Evidence Modeling of protein sequence and biophysical properties (such as structural, functional, and spatial information, amino acid conservation, physicochemical variation, residue mobility, and thermodynamic stability) indicates that this missense variant is not expected to disrupt LZTR1 protein function with a negative predictive value of 80%. In summary, the available evidence is currently insufficient to determine the role of this variant in disease. Therefore, it has been classified as a Variant of Uncertain Significance.

Ambry Genetics
Classification: Uncertain significance for Cardiovascular phenotype; Hereditary cancer-predisposing syndrome. Last evaluated: 2022-11-17. Review status: criteria provided, single submitter. Criteria: Ambry Variant Classification Scheme 2023. Collection method: clinical testing. Allele origin: germline.
Comment: The p.I533N variant (also known as c.1598T>A), located in coding exon 14 of the LZTR1 gene, results from a T to A substitution at nucleotide position 1598. The isoleucine at codon 533 is replaced by asparagine, an amino acid with dissimilar properties. This amino acid position is conserved. In addition, the in silico prediction for this alteration is inconclusive. Since supporting evidence is limited at this time, the clinical significance of this alteration remains unclear.

NM_006767.4(LZTR1):c.1598T>A (p.Ile533Asn)

Gene: LZTR1 (leucine zipper like post translational regulator 1; plus strand). Cytogenetic location: 22q11.21.
Variant type: single nucleotide variant.
Coding change: c.1598T>A on transcript NM_006767.4 (MANE Select); coding-DNA position 1598, T replaced by A.
Protein change: p.Ile533Asn; replaces isoleucine 533 with asparagine.
Molecular consequence: missense variant.
Genome position (GRCh38, 1-based): chr22:20,994,252, T>A. VCF-style: chr22-20994252-T-A. GRCh37 (hg19) VCF-style: chr22-21348541-T-A.
Other names: c.1598T>A (NM_006767.3); short protein forms I533N.
Identifiers: ClinVar variation 2129561 (VCV002129561.6), dbSNP rs2518621107, ClinGen allele CA410776186.